The following is an entry in ClinVar:

ClinVar aggregate classification (germline): Conflicting classifications of pathogenicity. Review status: criteria provided, conflicting classifications (1 of 4 stars). 3 submissions from 3 submitters: Likely pathogenic (2); Uncertain significance (1). Last evaluated 2026-01-22.

Conditions:
Fanconi anemia (FA). Also called: Fanconi's anemia. Identifiers: Orphanet 84, MedGen C0015625, MeSH D005199, MONDO:0019391.
Fanconi anemia complementation group L (FANCL). Also called: FANCL-Related Fanconi Anemia. Identifiers: Orphanet 84, MedGen C3469528, MONDO:0013566, OMIM 614083.

Allele frequency attached by ClinVar (database versions not stated): ExAC 0.00001; gnomAD exomes 0.00001; ESP Exome Variant Server 0.00008.
gnomAD v4.1: 22 of 1,611,174 alleles (0.0014%); highest among the groups gnomAD compares: Non-Finnish European, 0.0017%; no homozygotes.

Submissions (3):

Labcorp Genetics (formerly Invitae), Labcorp
Classification: Likely pathogenic for Fanconi anemia. Last evaluated: 2026-01-22. Review status: criteria provided, single submitter. Criteria: Invitae Variant Classification Sherloc (09022015). Collection method: clinical testing. Allele origin: germline.
Comment: This sequence change affects a donor splice site in intron 4 of the FANCL gene. It is expected to disrupt RNA splicing. Variants that disrupt the donor or acceptor splice site typically lead to a loss of protein function (PMID: 16199547), and loss-of-function variants in FANCL are known to be pathogenic (PMID: 19405097, 23613520). This variant is present in population databases (rs144729980, gnomAD 0.0009%). This variant has not been reported in the literature in individuals affected with FANCL-related conditions. ClinVar contains an entry for this variant (Variation ID: 1516268). Algorithms developed to predict the effect of sequence changes on RNA splicing suggest that this variant may disrupt the consensus splice site. In summary, the currently available evidence indicates that the variant is pathogenic, but additional data are needed to prove that conclusively. Therefore, this variant has been classified as Likely Pathogenic.

Fulgent Genetics
Classification: Likely pathogenic for Fanconi anemia complementation group L. Last evaluated: 2024-05-28. Review status: criteria provided, single submitter. Criteria: ACMG Guidelines, 2015. Collection method: clinical testing. Allele origin: germline.

Baylor Genetics
Classification: Uncertain significance for Fanconi anemia complementation group L. Last evaluated: 2021-11-20. Review status: criteria provided, single submitter. Criteria: ACMG Guidelines, 2015. Collection method: clinical testing. Allele origin: unknown.

Literature cited by the submitters: PubMed 16199547 (cited by Labcorp Genetics (formerly Invitae), Labcorp); PubMed 19405097 (cited by Labcorp Genetics (formerly Invitae), Labcorp); PubMed 23613520 (cited by Labcorp Genetics (formerly Invitae), Labcorp).

NM_018062.4(FANCL):c.273+1G>C

Gene: FANCL (FA complementation group L; minus strand). Cytogenetic location: 2p16.1.
Variant type: single nucleotide variant.
Coding change: c.273+1G>C on transcript NM_018062.4 (MANE Select); the canonical splice donor site of the intron after coding-DNA position 273, G replaced by C.
Molecular consequence: splice donor variant.
Genome position (GRCh38, 1-based): chr2:58,226,727, C>G on the plus strand (G>C on the coding strand, the complement: FANCL is on the minus strand). VCF-style: chr2-58226727-C-G. GRCh37 (hg19) VCF-style: chr2-58453862-C-G.
Other names: c.273+1G>C (NM_001374615.1, NM_001114636.2, NM_001410792.1).
Identifiers: ClinVar variation 1516268 (VCV001516268.11), dbSNP rs144729980, ClinGen allele CA1670723.